The following is an entry in ClinVar:

ClinVar aggregate classification (germline): Likely benign (0 of 4 stars; one submission).

Conditions:
ASB10-related disorder. Also called: ASB10-related condition.

Allele frequency attached by ClinVar (database versions not stated): gnomAD exomes 0.00015; ExAC 0.00018; 1000 Genomes Project 0.00240; 1000 Genomes Project 30x 0.00219.
gnomAD v4.1: 255 of 1,551,270 alleles (0.016%); highest among the groups gnomAD compares: East Asian, 0.46%; 2 homozygotes.

Submission:

PreventionGenetics, part of Exact Sciences
Classification: Likely benign for ASB10-related condition. Last evaluated: 2019-02-25. Review status: no assertion criteria provided. Collection method: clinical testing. Allele origin: germline.
Comment: This variant is classified as likely benign based on ACMG/AMP sequence variant interpretation guidelines (Richards et al. 2015 PMID: 25741868, with internal and published modifications).

NM_080871.4(ASB10):c.250C>T (p.Arg84Cys)

Gene: ASB10 (ankyrin repeat and SOCS box containing 10; minus strand). Cytogenetic location: 7q36.1.
Variant type: single nucleotide variant.
Coding change: c.250C>T on transcript NM_080871.4; coding-DNA position 250, C replaced by T.
Protein change: p.Arg84Cys; replaces arginine 84 with cysteine.
Molecular consequence: missense variant.
Genome position (GRCh38, 1-based): chr7:151,187,473, G>A on the plus strand (C>T on the coding strand, the complement: ASB10 is on the minus strand). VCF-style: chr7-151187473-G-A. GRCh37 (hg19) VCF-style: chr7-150884560-G-A.
Other names: short protein forms R84C.
Identifiers: ClinVar variation 3049876 (VCV003049876.2), dbSNP rs188107926, ClinGen allele CA4574051.